The following is an entry in ClinVar:

NM_182916.3(TRNT1):c.505T>C (p.Tyr169His)

Gene: TRNT1 (tRNA nucleotidyl transferase 1; plus strand). Cytogenetic location: 3p26.2.
Variant type: single nucleotide variant.
Coding change: c.505T>C on transcript NM_182916.3 (MANE Select); coding-DNA position 505, T replaced by C.
Protein change: p.Tyr169His; replaces tyrosine 169 with histidine.
Molecular consequence: missense variant. On other transcripts: non-coding transcript variant (8).
Genome position (GRCh38, 1-based): chr3:3,144,607, T>C. VCF-style: chr3-3144607-T-C. GRCh37 (hg19) VCF-style: chr3-3186291-T-C.
Other names: c.505T>C, p.Tyr169His (NM_001302946.2, NM_001367321.1, NM_001367322.1 and 1 more transcripts); short protein forms Y169H.
Identifiers: ClinVar variation 1493536 (VCV001493536.6), dbSNP rs1705867660, ClinGen allele CA351445091.

ClinVar aggregate classification (germline): Uncertain significance (1 of 4 stars; one submission).

Conditions:
Congenital sideroblastic anemia-B-cell immunodeficiency-periodic fever-developmental delay syndrome. Also called: Sideroblastic anemia with B-cell immunodeficiency, periodic fevers, and developmental delay. Identifiers: Orphanet 369861, MedGen C4015172, MONDO:0014487, OMIM 616084.

Allele frequency attached by ClinVar (database versions not stated): TOPMed below 0.00001; gnomAD 0.00001.

Submission:

Labcorp Genetics (formerly Invitae), Labcorp
Classification: Uncertain significance for Congenital sideroblastic anemia-B-cell immunodeficiency-periodic fever-developmental delay syndrome. Last evaluated: 2025-12-14. Review status: criteria provided, single submitter. Criteria: Invitae Variant Classification Sherloc (09022015). Collection method: clinical testing. Allele origin: germline.
Comment: This sequence change replaces tyrosine, which is neutral and polar, with histidine, which is basic and polar, at codon 169 of the TRNT1 protein (p.Tyr169His). This variant is not present in population databases (gnomAD no frequency). This variant has not been reported in the literature in individuals affected with TRNT1-related conditions. ClinVar contains an entry for this variant (Variation ID: 1493536). Invitae Evidence Modeling of protein sequence and biophysical properties (such as structural, functional, and spatial information, amino acid conservation, physicochemical variation, residue mobility, and thermodynamic stability) indicates that this missense variant is not expected to disrupt TRNT1 protein function with a negative predictive value of 80%. In summary, the available evidence is currently insufficient to determine the role of this variant in disease. Therefore, it has been classified as a Variant of Uncertain Significance.